The following is an entry in ClinVar:

NM_004991.4(MECOM):c.1648T>A (p.Ser550Thr)

Gene: MECOM (MDS1 and EVI1 complex locus; minus strand). Cytogenetic location: 3q26.2.
Variant type: single nucleotide variant.
Coding change: c.1648T>A on transcript NM_004991.4 (MANE Select); coding-DNA position 1648, T replaced by A.
Protein change: p.Ser550Thr; replaces serine 550 with threonine.
Molecular consequence: missense variant. On other transcripts: intron variant (2).
Genome position (GRCh38, 1-based): chr3:169,116,224, A>T on the plus strand (T>A on the coding strand, the complement: MECOM is on the minus strand). VCF-style: chr3-169116224-A-T. GRCh37 (hg19) VCF-style: chr3-168834012-A-T.
Other names: c.1279T>A, p.Ser427Thr (NM_001105077.4); c.1084T>A, p.Ser362Thr (NM_001105078.4, NM_001164000.2, NM_001205194.2 and 4 more transcripts); c.1087T>A, p.Ser363Thr (NM_001163999.2, NM_001366467.2, NM_001366468.2 and 1 more transcripts); c.1648T>A, p.Ser550Thr (NM_001366466.2); c.1133-457T>A (NM_001366473.2); c.569-457T>A (NM_001366474.2); short protein forms S550T, S363T, S427T, S362T.
Identifiers: ClinVar variation 3871854 (VCV003871854.1).

ClinVar aggregate classification (germline): Uncertain significance (1 of 4 stars; one submission).

Conditions:
Inborn genetic diseases. Identifiers: MedGen C0950123, MeSH D030342.

gnomAD v4.1: 2 of 1,614,100 alleles (0.00012%); highest among the groups gnomAD compares: South Asian, 0.0022%; no homozygotes.

Submission:

Ambry Genetics
Classification: Uncertain significance for Inborn genetic diseases. Last evaluated: 2025-02-25. Review status: criteria provided, single submitter. Criteria: Ambry Variant Classification Scheme 2023. Collection method: clinical testing. Allele origin: germline.
Comment: The p.S550T variant (also known as c.1648T>A), located in coding exon 8 of the MECOM gene, results from a T to A substitution at nucleotide position 1648. The serine at codon 550 is replaced by threonine, an amino acid with similar properties. This amino acid position is conserved. In addition, this alteration is predicted to be tolerated by in silico analysis. Based on the available evidence, the clinical significance of this variant remains unclear.